The following is an entry in ClinVar:

ClinVar aggregate classification (germline): Pathogenic. Review status: criteria provided, multiple submitters, no conflicts (2 of 4 stars). 2 submissions from 2 submitters: Pathogenic (2). Last evaluated 2024-03-13.

Conditions:
Hereditary cancer-predisposing syndrome. Also called: Tumor predisposition; Hereditary neoplastic syndrome; Neoplastic Syndromes, Hereditary; Hereditary Cancer Syndrome. Identifiers: Orphanet 140162, MedGen C0027672, MeSH D009386, MONDO:0015356.
Lynch syndrome 5 (LYNCH5). Also called: Colorectal cancer, hereditary nonpolyposis, type 5; Hereditary non-polyposis colorectal cancer, type 5. Identifiers: Orphanet 144, MedGen C1833477, MONDO:0013710, OMIM 614350. Disease mechanism: loss of function.

Submissions (2):

Ambry Genetics
Classification: Pathogenic for Hereditary cancer-predisposing syndrome. Last evaluated: 2024-03-13. Review status: criteria provided, single submitter. Criteria: Ambry Variant Classification Scheme 2023. Collection method: clinical testing. Allele origin: germline.
Comment: The c.2697_2698insT variant, located in coding exon 4 of the MSH6 gene, results from an insertion of one nucleotide at position 2697, causing a translational frameshift with a predicted alternate stop codon (p.G900Wfs*5). This alteration is expected to result in loss of function by premature protein truncation or nonsense-mediated mRNA decay. This variant is considered to be rare based on population cohorts in the Genome Aggregation Database (gnomAD). As such, this alteration is interpreted as a disease-causing mutation.

Myriad Genetics, Inc.
Classification: Pathogenic for Lynch syndrome 5. Last evaluated: 2023-10-25. Review status: criteria provided, single submitter. Criteria: Myriad Autosomal Dominant, Autosomal Recessive and X-Linked Classification Criteria (2023). Collection method: clinical testing. Allele origin: unknown.
Comment: This variant is considered pathogenic. This variant creates a frameshift predicted to result in premature protein truncation.

NM_000179.3(MSH6):c.2697_2698insT (p.Gly900fs)

Gene: MSH6 (mutS homolog 6; plus strand). Cytogenetic location: 2p16.3.
Variant type: Insertion.
Coding change: c.2697_2698insT on transcript NM_000179.3 (MANE Select); coding-DNA positions 2697 to 2698, T inserted.
Protein change: p.Gly900fs; shifts the reading frame from glycine 900.
Molecular consequence: frameshift variant. On other transcripts: non-coding transcript variant (5), intron variant (2).
Genome position: GRCh38 VCF-style: chr2-47800680-A-AT. GRCh37 (hg19) VCF-style: chr2-48027819-A-AT.
Other names: c.2307_2308insT, p.Gly770fs (NM_001281492.2); c.1791_1792insT, p.Gly598fs (NM_001281493.2, NM_001281494.2, NM_001406811.1 and 6 more transcripts); c.2793_2794insT, p.Gly932fs (NM_001406795.1, NM_001406802.1); c.2697_2698insT, p.Gly900fs (NM_001406796.1, NM_001406798.1, NM_001406800.1 and 2 more transcripts); c.2400_2401insT, p.Gly801fs (NM_001406797.1, NM_001406801.1, NM_001406805.1 and 10 more transcripts); c.2172_2173insT, p.Gly725fs (NM_001406799.1, NM_001406806.1, NM_001406807.1); c.2619_2620insT, p.Gly874fs (NM_001406804.1); c.2703_2704insT, p.Gly902fs (NM_001406813.1); and 4 more; short protein forms G215fs, G598fs, G725fs, G770fs, G801fs, G844fs, G874fs, G900fs.
Identifiers: ClinVar variation 2673994 (VCV002673994.2), dbSNP rs2530687796, ClinGen allele CA2695200570.